The following is an entry in ClinVar:

ClinVar aggregate classification (germline): Uncertain significance (1 of 4 stars; one submission).

gnomAD v4.1: 31 of 1,590,042 alleles (0.0019%); highest among the groups gnomAD compares: Non-Finnish European, 0.00034%; no homozygotes.

Submission:

Labcorp Genetics (formerly Invitae), Labcorp
Classification: Uncertain significance. Last evaluated: 2021-05-26. Review status: criteria provided, single submitter. Criteria: Invitae Variant Classification Sherloc (09022015). Collection method: clinical testing. Allele origin: germline.
Comment: This sequence change replaces valine with methionine at codon 525 of the SIX5 protein (p.Val525Met). The valine residue is moderately conserved and there is a small physicochemical difference between valine and methionine. The frequency data for this variant in the population databases is considered unreliable, as metrics indicate poor data quality at this position in the ExAC database. This variant has not been reported in the literature in individuals with SIX5-related conditions. Algorithms developed to predict the effect of missense changes on protein structure and function output the following: SIFT: "Deleterious"; PolyPhen-2: "Benign"; Align-GVGD: "Class C0". The methionine amino acid residue is found in multiple mammalian species, suggesting that this missense change does not adversely affect protein function. These predictions have not been confirmed by published functional studies and their clinical significance is uncertain. In summary, the available evidence is currently insufficient to determine the role of this variant in disease. Therefore, it has been classified as a Variant of Uncertain Significance.

NM_175875.5(SIX5):c.1573G>A (p.Val525Met)

Gene: SIX5 (SIX homeobox 5; minus strand). Cytogenetic location: 19q13.32.
Variant type: single nucleotide variant.
Coding change: c.1573G>A on transcript NM_175875.5 (MANE Select); coding-DNA position 1573, G replaced by A.
Protein change: p.Val525Met; replaces valine 525 with methionine.
Molecular consequence: missense variant.
Genome position (GRCh38, 1-based): chr19:45,766,386, C>T on the plus strand (G>A on the coding strand, the complement: SIX5 is on the minus strand). VCF-style: chr19-45766386-C-T. GRCh37 (hg19) VCF-style: chr19-46269644-C-T.
Other names: short protein forms V525M.
Identifiers: ClinVar variation 1426218 (VCV001426218.8), dbSNP rs756098782, ClinGen allele CA9520600.